The following is an entry in ClinVar:

ClinVar aggregate classification (germline): Uncertain significance. Review status: criteria provided, multiple submitters, no conflicts (2 of 4 stars). 2 submissions from 2 submitters: Uncertain significance (2). Last evaluated 2025-02-22.

Conditions:
Inborn genetic diseases. Identifiers: MedGen C0950123, MeSH D030342.

gnomAD v4.1: 11 of 1,453,884 alleles (0.00076%); highest among the groups gnomAD compares: South Asian, 0.0042%; no homozygotes.

Submissions (2):

Ambry Genetics
Classification: Uncertain significance for Inborn genetic diseases. Last evaluated: 2025-02-22. Review status: criteria provided, single submitter. Criteria: Ambry Variant Classification Scheme 2023. Collection method: clinical testing. Allele origin: germline.

Labcorp Genetics (formerly Invitae), Labcorp
Classification: Uncertain significance. Last evaluated: 2022-02-19. Review status: criteria provided, single submitter. Criteria: Invitae Variant Classification Sherloc (09022015). Collection method: clinical testing. Allele origin: germline.
Comment: This variant is present in population databases (no rsID available, gnomAD 0.06%). In summary, the available evidence is currently insufficient to determine the role of this variant in disease. Therefore, it has been classified as a Variant of Uncertain Significance. Algorithms developed to predict the effect of missense changes on protein structure and function are either unavailable or do not agree on the potential impact of this missense change (SIFT: "Deleterious"; PolyPhen-2: "Possibly Damaging"; Align-GVGD: "Class C0"). This variant has not been reported in the literature in individuals affected with SPEG-related conditions. This sequence change replaces arginine, which is basic and polar, with glutamine, which is neutral and polar, at codon 2007 of the SPEG protein (p.Arg2007Gln).

NM_005876.5(SPEG):c.6020G>A (p.Arg2007Gln)

Genes: ASIC4-AS1 (ASIC4 antisense RNA 1; minus strand), SPEG (striated muscle enriched protein kinase; plus strand). Cytogenetic location: 2q35.
Variant type: single nucleotide variant.
Coding change: c.6020G>A on transcript NM_005876.5 (MANE Select); coding-DNA position 6020, G replaced by A.
Protein change: p.Arg2007Gln; replaces arginine 2007 with glutamine.
Molecular consequence: missense variant.
Genome position (GRCh38, 1-based): chr2:219,483,483, G>A. VCF-style: chr2-219483483-G-A. GRCh37 (hg19) VCF-style: chr2-220348205-G-A.
Other names: c.6020G>A (NM_005876.4); short protein forms R2007Q.
Identifiers: ClinVar variation 1965868 (VCV001965868.6), dbSNP rs747077634, ClinGen allele CA350694715.